The following is an entry in ClinVar:

NM_001197104.2(KMT2A):c.6320-1G>A

Gene: KMT2A (lysine methyltransferase 2A; plus strand). Cytogenetic location: 11q23.3.
Variant type: single nucleotide variant.
Coding change: c.6320-1G>A on transcript NM_001197104.2 (MANE Select); the canonical splice acceptor site of the intron before coding-DNA position 6320, G replaced by A.
Molecular consequence: splice acceptor variant.
Genome position (GRCh38, 1-based): chr11:118,501,671, G>A. VCF-style: chr11-118501671-G-A. GRCh37 (hg19) VCF-style: chr11-118372386-G-A.
Other names: c.6410-1G>A (NM_001412597.1); c.6311-1G>A (NM_005933.4).
Identifiers: ClinVar variation 1709079 (VCV001709079.2), dbSNP rs1950502854, ClinGen allele CA382801403.

ClinVar aggregate classification (germline): Likely pathogenic (1 of 4 stars; one submission).

Conditions:
Wiedemann-Steiner syndrome (WDSTS). Also called: Growth deficiency and mental retardation with facial dysmorphism. Identifiers: Orphanet 319182, MedGen C1854630, MONDO:0011518, OMIM 605130.

Submission:

MGZ Medical Genetics Center
Classification: Likely pathogenic for Wiedemann-Steiner syndrome. Last evaluated: 2022-01-19. Review status: criteria provided, single submitter. Criteria: ACMG Guidelines, 2015. Collection method: clinical testing. Allele origin: germline. Affected: yes. Observed: 1 variant allele.
Comment: ACMG criteria applied: PVS1, PM2_SUP